The following is an entry in ClinVar:

NM_014915.3(ANKRD26):c.2506A>C (p.Ser836Arg)

Gene: ANKRD26 (ankyrin repeat domain 26; minus strand). Cytogenetic location: 10p12.1.
Variant type: single nucleotide variant.
Coding change: c.2506A>C on transcript NM_014915.3 (MANE Select); coding-DNA position 2506, A replaced by C.
Protein change: p.Ser836Arg; replaces serine 836 with arginine.
Molecular consequence: missense variant.
Genome position (GRCh38, 1-based): chr10:27,037,924, T>G on the plus strand (A>C on the coding strand, the complement: ANKRD26 is on the minus strand). VCF-style: chr10-27037924-T-G. GRCh37 (hg19) VCF-style: chr10-27326853-T-G.
Other names: c.2503A>C, p.Ser835Arg (NM_001256053.2); short protein forms S836R, S835R.
Identifiers: ClinVar variation 4579975 (VCV004579975.1).

ClinVar aggregate classification (germline): Uncertain significance (1 of 4 stars; one submission).

Conditions:
Inborn genetic diseases. Identifiers: MedGen C0950123, MeSH D030342.

Submission:

Ambry Genetics
Classification: Uncertain significance for Inborn genetic diseases. Last evaluated: 2025-11-15. Review status: criteria provided, single submitter. Criteria: Ambry Variant Classification Scheme 2023. Collection method: clinical testing. Allele origin: germline.
Comment: The p.S836R variant (also known as c.2506A>C), located in coding exon 22 of the ANKRD26 gene, results from an A to C substitution at nucleotide position 2506. The serine at codon 836 is replaced by arginine, an amino acid with dissimilar properties. This amino acid position is conserved. In addition, this alteration is predicted to be tolerated by in silico analysis. Based on the available evidence, the clinical significance of this variant remains unclear.